The following is an entry in ClinVar:

NM_170665.4(ATP2A2):c.-403C>G

Genes: ATP2A2 (ATPase sarcoplasmic/endoplasmic reticulum Ca2+ transporting 2; plus strand), LOC130008738 (ATAC-STARR-seq lymphoblastoid silent region 4854; plus strand). Cytogenetic location: 12q24.11.
Variant type: single nucleotide variant.
Coding change: c.-403C>G on transcript NM_170665.4 (MANE Select); 403 bases upstream of the start codon, C replaced by G.
Molecular consequence: 5 prime UTR variant.
Genome position (GRCh38, 1-based): chr12:110,281,387, C>G. VCF-style: chr12-110281387-C-G. GRCh37 (hg19) VCF-style: chr12-110719192-C-G.
Other names: c.-403C>G (NM_001681.4).
Identifiers: ClinVar variation 307149 (VCV000307149.6), dbSNP rs3026433, ClinGen allele CA10640906.

ClinVar aggregate classification (germline): Benign. Review status: criteria provided, multiple submitters, no conflicts (2 of 4 stars). 2 submissions from 2 submitters: Benign (2). Last evaluated 2018-01-13.

Conditions:
Keratosis follicularis (DAR). Also called: Darier disease; Darier's disease. Identifiers: Orphanet 218, MedGen C0022595, MONDO:0007417, OMIM 124200.

Allele frequency attached by ClinVar (database versions not stated): 1000 Genomes Project 0.10823; 1000 Genomes Project 30x 0.11243; gnomAD exomes 0.14231; TOPMed 0.15629; gnomAD 0.15991 and 0.16253.
gnomAD v4.1: 24,303 of 151,672 alleles (16%); highest among the groups gnomAD compares: Admixed American, 28%; 2,646 homozygotes.

Submissions (2):

Illumina Laboratory Services, Illumina
Classification: Benign for Keratosis follicularis. Last evaluated: 2018-01-13. Review status: criteria provided, single submitter. Criteria: ICSL Variant Classification Criteria 13 December 2019. Collection method: clinical testing. Allele origin: germline.
Comment: This variant was observed in the ICSL laboratory as part of a predisposition screen in an ostensibly healthy population. It had not been previously curated by ICSL or reported in the Human Gene Mutation Database (HGMD: prior to June 1st, 2018), and was therefore a candidate for classification through an automated scoring system. Utilizing variant allele frequency, disease prevalence and penetrance estimates, and inheritance mode, an automated score was calculated to assess if this variant is too frequent to cause the disease. Based on the score and internal cut-off values, a variant classified as benign is not then subjected to further curation. The score for this variant resulted in a classification of benign for this disease.

Breakthrough Genomics
Classification: Benign. Review status: criteria provided, single submitter. Criteria: ACMG Guidelines, 2015. Collection method: not provided. Allele origin: germline. Inheritance: Autosomal dominant inheritance. Affected: yes.